The following is an entry in ClinVar:

NM_001029883.3(PCARE):c.1561C>T (p.Arg521Trp)

Gene: PCARE (photoreceptor cilium actin regulator; minus strand). Cytogenetic location: 2p23.2.
Variant type: single nucleotide variant.
Coding change: c.1561C>T on transcript NM_001029883.3 (MANE Select); coding-DNA position 1561, C replaced by T.
Protein change: p.Arg521Trp; replaces arginine 521 with tryptophan.
Molecular consequence: missense variant.
Genome position (GRCh38, 1-based): chr2:29,072,701, G>A on the plus strand (C>T on the coding strand, the complement: PCARE is on the minus strand). VCF-style: chr2-29072701-G-A. GRCh37 (hg19) VCF-style: chr2-29295567-G-A.
Other names: short protein forms R521W.
Identifiers: ClinVar variation 1910809 (VCV001910809.5), dbSNP rs766956312, ClinGen allele CA1592397.

ClinVar aggregate classification (germline): Uncertain significance (1 of 4 stars; one submission).

Allele frequency attached by ClinVar (database versions not stated): gnomAD exomes 0.00001; ExAC 0.00002; TOPMed 0.00002.
gnomAD v4.1: 8 of 1,614,014 alleles (0.0005%); highest among the groups gnomAD compares: South Asian, 0.0033%; no homozygotes.

Submission:

Labcorp Genetics (formerly Invitae), Labcorp
Classification: Uncertain significance. Last evaluated: 2024-11-05. Review status: criteria provided, single submitter. Criteria: Invitae Variant Classification Sherloc (09022015). Collection method: clinical testing. Allele origin: germline.
Comment: This sequence change replaces arginine, which is basic and polar, with tryptophan, which is neutral and slightly polar, at codon 521 of the PCARE protein (p.Arg521Trp). This variant is present in population databases (rs766956312, gnomAD 0.006%). This variant has not been reported in the literature in individuals affected with PCARE-related conditions. ClinVar contains an entry for this variant (Variation ID: 1910809). An algorithm developed to predict the effect of missense changes on protein structure and function outputs the following: PolyPhen-2: "Benign". The tryptophan amino acid residue is found in multiple mammalian species, which suggests that this missense change does not adversely affect protein function. In summary, the available evidence is currently insufficient to determine the role of this variant in disease. Therefore, it has been classified as a Variant of Uncertain Significance.